The following is an entry in ClinVar:

ClinVar aggregate classification (germline): Uncertain significance (1 of 4 stars; one submission).

gnomAD v4.1: 4 of 1,612,732 alleles (0.00025%); highest among the groups gnomAD compares: Non-Finnish European, 0.00034%; no homozygotes.

Submission:

GeneDx
Classification: Uncertain significance. Last evaluated: 2026-02-08. Review status: criteria provided, single submitter. Criteria: GeneDx Variant Classification Process June 2021. Collection method: clinical testing. Allele origin: germline.
Comment: Not observed at significant frequency in large population cohorts (gnomAD); In silico analysis suggests that this missense variant does not alter protein structure/function; Has not been previously published as pathogenic or benign to our knowledge

NM_015046.7(SETX):c.511G>T (p.Ala171Ser)

Gene: SETX (senataxin; minus strand). Cytogenetic location: 9q34.13.
Variant type: single nucleotide variant.
Coding change: c.511G>T on transcript NM_015046.7 (MANE Select); coding-DNA position 511, G replaced by T.
Protein change: p.Ala171Ser; replaces alanine 171 with serine.
Molecular consequence: missense variant.
Genome position (GRCh38, 1-based): chr9:132,336,503, C>A on the plus strand (G>T on the coding strand, the complement: SETX is on the minus strand). VCF-style: chr9-132336503-C-A. GRCh37 (hg19) VCF-style: chr9-135211890-C-A.
Other names: c.511G>T, p.Ala171Ser (NM_001351527.2, NM_001351528.2); short protein forms A171S.
Identifiers: ClinVar variation 4976278 (VCV004976278.1).